The following is an entry in ClinVar:

NM_033641.4(COL4A6):c.2243C>T (p.Ala748Val)

Gene: COL4A6 (collagen type IV alpha 6 chain; minus strand). Cytogenetic location: Xq22.3.
Variant type: single nucleotide variant.
Coding change: c.2243C>T on transcript NM_033641.4 (MANE Select); coding-DNA position 2243, C replaced by T.
Protein change: p.Ala748Val; replaces alanine 748 with valine.
Molecular consequence: missense variant.
Genome position (GRCh38, 1-based): chrX:108,179,327, G>A on the plus strand (C>T on the coding strand, the complement: COL4A6 is on the minus strand). VCF-style: chrX-108179327-G-A. GRCh37 (hg19) VCF-style: chrX-107422557-G-A.
Other names: c.2294C>T, p.Ala765Val (NM_001287758.2); c.2243C>T, p.Ala748Val (NM_001287759.2, NM_001287760.2); c.2246C>T, p.Ala749Val (NM_001847.4); c.2246C>T (NM_001847.2); short protein forms A748V, A765V, A749V.
Identifiers: ClinVar variation 2837954 (VCV002837954.4), dbSNP rs767337489, ClinGen allele CA10487662.

ClinVar aggregate classification (germline): Uncertain significance. Review status: criteria provided, multiple submitters, no conflicts (2 of 4 stars). 2 submissions from 2 submitters: Uncertain significance (2). Last evaluated 2024-01-09.

Allele frequency attached by ClinVar (database versions not stated): ExAC 0.00001; gnomAD 0.00003; TOPMed 0.00003; gnomAD exomes 0.00004.
gnomAD v4.1: 51 of 1,208,982 alleles (0.0042%); highest among the groups gnomAD compares: Non-Finnish European, 0.0055%; no homozygotes.

Submissions (2):

Ambry Genetics
Classification: Uncertain significance. Last evaluated: 2024-01-09. Review status: criteria provided, single submitter. Criteria: Ambry Variant Classification Scheme 2023. Collection method: clinical testing. Allele origin: germline.

Labcorp Genetics (formerly Invitae), Labcorp
Classification: Uncertain significance. Last evaluated: 2023-12-27. Review status: criteria provided, single submitter. Criteria: Invitae Variant Classification Sherloc (09022015). Collection method: clinical testing. Allele origin: germline.
Comment: This sequence change replaces alanine, which is neutral and non-polar, with valine, which is neutral and non-polar, at codon 749 of the COL4A6 protein (p.Ala749Val). This variant is present in population databases (rs767337489, gnomAD 0.001%). This variant has not been reported in the literature in individuals affected with COL4A6-related conditions. Advanced modeling of protein sequence and biophysical properties (such as structural, functional, and spatial information, amino acid conservation, physicochemical variation, residue mobility, and thermodynamic stability) performed at Invitae indicates that this missense variant is not expected to disrupt COL4A6 protein function with a negative predictive value of 80%. In summary, the available evidence is currently insufficient to determine the role of this variant in disease. Therefore, it has been classified as a Variant of Uncertain Significance.